The following is an entry in ClinVar:

ClinVar aggregate classification (germline): Uncertain significance. Review status: criteria provided, multiple submitters, no conflicts (2 of 4 stars). 3 submissions from 3 submitters: Uncertain significance (3). Last evaluated 2025-09-22.

Conditions:
Hereditary cancer-predisposing syndrome. Also called: Tumor predisposition; Neoplastic Syndromes, Hereditary; Hereditary Cancer Syndrome; Hereditary neoplastic syndrome. Identifiers: Orphanet 140162, MedGen C0027672, MeSH D009386, MONDO:0015356.
Ataxia-telangiectasia syndrome (AT). Also called: Ataxia-telangiectasia; Ataxia-telangiectasia, complementation group D; AT, COMPLEMENTATION GROUP C; LOUIS-BAR SYNDROME; Cerebello-oculocutaneous telangiectasia; Immunodeficiency with ataxia telangiectasia. Identifiers: Orphanet 100, MedGen C0004135, MONDO:0008840, OMIM 208900.

Submissions (3):

Labcorp Genetics (formerly Invitae), Labcorp
Classification: Uncertain significance for Ataxia-telangiectasia syndrome. Last evaluated: 2025-09-22. Review status: criteria provided, single submitter. Criteria: Invitae Variant Classification Sherloc (09022015). Collection method: clinical testing. Allele origin: germline.
Comment: This sequence change replaces leucine, which is neutral and non-polar, with valine, which is neutral and non-polar, at codon 1611 of the ATM protein (p.Leu1611Val). This variant is not present in population databases (gnomAD no frequency). This variant has not been reported in the literature in individuals affected with ATM-related conditions. ClinVar contains an entry for this variant (Variation ID: 489550). Invitae Evidence Modeling of protein sequence and biophysical properties (such as structural, functional, and spatial information, amino acid conservation, physicochemical variation, residue mobility, and thermodynamic stability) indicates that this missense variant is not expected to disrupt ATM protein function with a negative predictive value of 95%. In summary, the available evidence is currently insufficient to determine the role of this variant in disease. Therefore, it has been classified as a Variant of Uncertain Significance.

Ambry Genetics
Classification: Uncertain significance for Hereditary cancer-predisposing syndrome. Last evaluated: 2024-02-06. Review status: criteria provided, single submitter. Criteria: Ambry Variant Classification Scheme 2023. Collection method: clinical testing. Allele origin: germline.
Comment: The p.L1611V variant (also known as c.4831C>G), located in coding exon 31 of the ATM gene, results from a C to G substitution at nucleotide position 4831. The leucine at codon 1611 is replaced by valine, an amino acid with highly similar properties. This amino acid position is highly conserved in available vertebrate species. In addition, this alteration is predicted to be tolerated by in silico analysis. Since supporting evidence is limited at this time, the clinical significance of this alteration remains unclear.

Color Diagnostics, LLC DBA Color Health
Classification: Uncertain significance for Hereditary cancer-predisposing syndrome. Last evaluated: 2023-12-05. Review status: criteria provided, single submitter. Criteria: ACMG Guidelines, 2015. Collection method: clinical testing. Allele origin: germline.
Comment: This missense variant replaces leucine with valine at codon 1611 of the ATM protein. Computational prediction suggests that this variant may not impact protein structure and function (internally defined REVEL score threshold <= 0.5, PMID: 27666373). To our knowledge, functional studies have not been reported for this variant. This variant has not been reported in individuals affected with ATM-related disorders in the literature. This variant has not been identified in the general population by the Genome Aggregation Database (gnomAD). The available evidence is insufficient to determine the role of this variant in disease conclusively. Therefore, this variant is classified as a Variant of Uncertain Significance.

NM_000051.4(ATM):c.4831C>G (p.Leu1611Val)

Gene: ATM (ATM serine/threonine kinase; plus strand). Cytogenetic location: 11q22.3.
Variant type: single nucleotide variant.
Coding change: c.4831C>G on transcript NM_000051.4 (MANE Select); coding-DNA position 4831, C replaced by G.
Protein change: p.Leu1611Val; replaces leucine 1611 with valine.
Molecular consequence: missense variant.
Genome position (GRCh38, 1-based): chr11:108,294,981, C>G. VCF-style: chr11-108294981-C-G. GRCh37 (hg19) VCF-style: chr11-108165708-C-G.
Other names: c.4831C>G, p.Leu1611Val (NM_001351834.2); short protein forms L1611V.
Identifiers: ClinVar variation 489550 (VCV000489550.11), dbSNP rs1026156596, ClinGen allele CA228380693.